The following is an entry in ClinVar:

NM_006440.5(TXNRD2):c.682+5C>G

Gene: TXNRD2 (thioredoxin reductase 2; minus strand). Cytogenetic location: 22q11.21.
Variant type: single nucleotide variant.
Coding change: c.682+5C>G on transcript NM_006440.5 (MANE Select); 5 bases into the intron after coding-DNA position 682, C replaced by G.
Molecular consequence: intron variant.
Genome position (GRCh38, 1-based): chr22:19,899,044, G>C on the plus strand (C>G on the coding strand, the complement: TXNRD2 is on the minus strand). VCF-style: chr22-19899044-G-C. GRCh37 (hg19) VCF-style: chr22-19886567-G-C.
Other names: c.679+5C>G (NM_001352300.2); c.394+5C>G (NM_001352302.2); c.592+5C>G (NM_001352301.2); c.682+5C>G (NM_001282512.3); c.586+5C>G (NM_001352303.2).
Identifiers: ClinVar variation 1755632 (VCV001755632.7), dbSNP rs1470456087, ClinGen allele CA638364983.

ClinVar aggregate classification (germline): Uncertain significance. Review status: criteria provided, multiple submitters, no conflicts (2 of 4 stars). 2 submissions from 2 submitters: Uncertain significance (2). Last evaluated 2023-08-23.

Conditions:
Primary dilated cardiomyopathy (DCM). Also called: Dilated Cardiomyopathy. Identifiers: Orphanet 217604, MedGen C0007193, MeSH D002311, MONDO:0005021, HP:0001644. Inheritance: Various modes of inheritance.
Cardiovascular phenotype. Identifiers: MedGen CN230736.

Allele frequency attached by ClinVar (database versions not stated): gnomAD 0.00001; gnomAD exomes 0.00001.
gnomAD v4.1: 13 of 1,606,378 alleles (0.00081%); highest among the groups gnomAD compares: South Asian, 0.014%; no homozygotes.

Submissions (2):

Labcorp Genetics (formerly Invitae), Labcorp
Classification: Uncertain significance for Primary dilated cardiomyopathy. Last evaluated: 2023-08-23. Review status: criteria provided, single submitter. Criteria: Invitae Variant Classification Sherloc (09022015). Collection method: clinical testing. Allele origin: germline.
Comment: In summary, the available evidence is currently insufficient to determine the role of this variant in disease. Therefore, it has been classified as a Variant of Uncertain Significance. Variants that disrupt the consensus splice site are a relatively common cause of aberrant splicing (PMID: 17576681, 9536098). Algorithms developed to predict the effect of sequence changes on RNA splicing suggest that this variant is not likely to affect RNA splicing. ClinVar contains an entry for this variant (Variation ID: 1755632). This variant has not been reported in the literature in individuals affected with TXNRD2-related conditions. This variant is present in population databases (no rsID available, gnomAD 0.01%). This sequence change falls in intron 9 of the TXNRD2 gene. It does not directly change the encoded amino acid sequence of the TXNRD2 protein. It affects a nucleotide within the consensus splice site.

Ambry Genetics
Classification: Uncertain significance for Cardiovascular phenotype. Last evaluated: 2021-02-24. Review status: criteria provided, single submitter. Criteria: Ambry Variant Classification Scheme 2023. Collection method: clinical testing. Allele origin: germline.
Comment: The c.682+5C>G intronic variant results from a C to G substitution 5 nucleotides after coding exon 9 in the TXNRD2 gene. This nucleotide position is highly conserved in available vertebrate species. In silico splice site analysis predicts that this alteration will not have any significant effect on splicing. Since supporting evidence is limited at this time, the clinical significance of this alteration remains unclear.

Literature cited by the submitters: PubMed 17576681 (cited by Labcorp Genetics (formerly Invitae), Labcorp); PubMed 9536098 (cited by Labcorp Genetics (formerly Invitae), Labcorp).